The following is an entry in ClinVar:

ClinVar aggregate classification (germline): Conflicting classifications of pathogenicity. Review status: criteria provided, conflicting classifications (1 of 4 stars). 6 submissions from 6 submitters: Uncertain significance (4); Benign (1). 1 of the submissions does not count toward it. Last evaluated 2025-11-24.

Conditions:
Inborn genetic diseases. Identifiers: MedGen C0950123, MeSH D030342.
Fanconi anemia (FA). Also called: Fanconi's anemia. Identifiers: Orphanet 84, MedGen C0015625, MeSH D005199, MONDO:0019391.
Fanconi anemia complementation group A (FANCA). Also called: Fanconi anemia, group A; FANCA-Related Fanconi Anemia. Identifiers: Orphanet 84, MedGen C3469521, MONDO:0009215, OMIM 227650.

Allele frequency attached by ClinVar (database versions not stated): gnomAD exomes 0.00001 and 0.00004; ExAC 0.00005; TOPMed 0.00006; ESP Exome Variant Server 0.00017; 1000 Genomes Project 0.00040; 1000 Genomes Project 30x 0.00047.
gnomAD v4.1: 24 of 1,551,598 alleles (0.0015%); highest among the groups gnomAD compares: African/African-American, 0.031%; no homozygotes.

Submissions (6):

Labcorp Genetics (formerly Invitae), Labcorp
Classification: Benign for Fanconi anemia. Last evaluated: 2025-11-24. Review status: criteria provided, single submitter. Criteria: Invitae Variant Classification Sherloc (09022015). Collection method: clinical testing. Allele origin: germline.

Ambry Genetics
Classification: Uncertain significance for Inborn genetic diseases. Last evaluated: 2025-08-06. Review status: criteria provided, single submitter. Criteria: Ambry Variant Classification Scheme 2023. Collection method: clinical testing. Allele origin: germline.

Fulgent Genetics
Classification: Uncertain significance for Fanconi anemia complementation group A. Last evaluated: 2024-01-18. Review status: criteria provided, single submitter. Criteria: ACMG Guidelines, 2015. Collection method: clinical testing. Allele origin: germline.

Quest Diagnostics Nichols Institute San Juan Capistrano
Classification: Uncertain significance. Last evaluated: 2023-12-27. Review status: criteria provided, single submitter. Criteria: Quest Diagnostics criteria. Collection method: clinical testing. Allele origin: unknown.
Comment: The FANCA c.1951G>A (p.Gly651Arg) variant has not been reported in individuals with FANCA-related conditions in the published literature. The frequency of this variant in the general population, 0.00046 (8/17454 chromosomes (Genome Aggregation Database)), is uninformative in the assessment of its pathogenicity. Analysis of this variant using bioinformatics tools for the prediction of the effect of amino acid changes on protein structure and function yielded conflicting predictions that this variant is benign or damaging. Based on the available information, we are unable to determine the clinical significance of this variant.

Genetic Services Laboratory, University of Chicago
Classification: Uncertain significance. Last evaluated: 2020-09-11. Review status: criteria provided, single submitter. Criteria: ACMG Guidelines, 2015. Collection method: clinical testing. Allele origin: germline. Affected: no.
Comment: DNA sequence analysis of the FANCA gene demonstrated a sequence change, c.1951G>A, in exon 22 that results in an amino acid change, p.Gly651Arg. This sequence change does not appear to have been previously described in patients with FANCA-related disorders. This sequence change has been described in the gnomAD database with a low overall population frequency of 0.004% and a frequency of 0.046% in the African American sub group (dbSNP rs140785340). The p.Gly651Arg change affects a poorly conserved amino acid residue of the FANCA protein. In-silico pathogenicity prediction tools (SIFT, PolyPhen2, Align GVGD, REVEL) provide contradictory results for the p.Gly651Arg substitution. Due to these contrasting evidences and the lack of functional studies, the clinical significance of the p.Gly651Arg change remains unknown at this time.

Natera, Inc.
Classification: Uncertain significance for Fanconi anemia. Last evaluated: 2020-01-28. Review status: no assertion criteria provided. Collection method: clinical testing. Allele origin: germline. Not counted in ClinVar's aggregate classification.

NM_000135.4(FANCA):c.1951G>A (p.Gly651Arg)

Gene: FANCA (FA complementation group A; minus strand). Cytogenetic location: 16q24.3.
Variant type: single nucleotide variant.
Coding change: c.1951G>A on transcript NM_000135.4 (MANE Select); coding-DNA position 1951, G replaced by A.
Protein change: p.Gly651Arg; replaces glycine 651 with arginine.
Molecular consequence: missense variant.
Genome position (GRCh38, 1-based): chr16:89,773,334, C>T on the plus strand (G>A on the coding strand, the complement: FANCA is on the minus strand). VCF-style: chr16-89773334-C-T. GRCh37 (hg19) VCF-style: chr16-89839742-C-T.
Other names: c.1951G>A (NM_000135.2); c.1951G>A, p.Gly651Arg (NM_001286167.3); short protein forms G651R.
Identifiers: ClinVar variation 1003552 (VCV001003552.17), dbSNP rs140785340, ClinGen allele CA8251967.